The following is an entry in ClinVar:

ClinVar aggregate classification (germline): Uncertain significance (1 of 4 stars; one submission).

Conditions:
Developmental delay, behavioral abnormalities, and neuropsychiatric disorders (DEDBANP). Identifiers: MedGen C5774224, MONDO:0859292, OMIM 620065.

Submission:

Clinical Genomics Laboratory, Washington University in St. Louis
Classification: Uncertain significance for Developmental delay, behavioral abnormalities, and neuropsychiatric disorders. Last evaluated: 2023-10-28. Review status: criteria provided, single submitter. Criteria: ACMG Guidelines, 2015. Collection method: clinical testing. Allele origin: germline.
Comment: The ADGRL1 c.3030C>G (p.Ile1010Met) variant, to our knowledge, has not been reported in the medical literature and is absent from the general population (gnomAD v.2.1.1), indicating it is not a common variant. Computational predictors are uncertain as to the impact of this variant on ADGRL1 function. Due to limited information, and based on ACMG/AMP guidelines for variant interpretation (Richards S et al., PMID: 25741868), the clinical significance of this variant is uncertain at this time.

NM_014921.5(ADGRL1):c.3030C>G (p.Ile1010Met)

Genes: ADGRL1 (adhesion G protein-coupled receptor L1; minus strand), ADGRL1-AS1 (ADGRL1 antisense RNA 1; plus strand). Cytogenetic location: 19p13.12.
Variant type: single nucleotide variant.
Coding change: c.3030C>G on transcript NM_014921.5 (MANE Select); coding-DNA position 3030, C replaced by G.
Protein change: p.Ile1010Met; replaces isoleucine 1010 with methionine.
Molecular consequence: missense variant.
Genome position (GRCh38, 1-based): chr19:14,156,661, G>C on the plus strand (C>G on the coding strand, the complement: ADGRL1 is on the minus strand). VCF-style: chr19-14156661-G-C. GRCh37 (hg19) VCF-style: chr19-14267473-G-C.
Other names: c.3045C>G, p.Ile1015Met (NM_001008701.3); short protein forms I1010M, I1015M.
Identifiers: ClinVar variation 3602578 (VCV003602578.1).